The following is an entry in ClinVar:

NM_000057.4(BLM):c.2221A>C (p.Lys741Gln)

Gene: BLM (BLM RecQ like helicase; plus strand). Cytogenetic location: 15q26.1.
Variant type: single nucleotide variant.
Coding change: c.2221A>C on transcript NM_000057.4 (MANE Select); coding-DNA position 2221, A replaced by C.
Protein change: p.Lys741Gln; replaces lysine 741 with glutamine.
Molecular consequence: missense variant.
Genome position (GRCh38, 1-based): chr15:90,766,937, A>C. VCF-style: chr15-90766937-A-C. GRCh37 (hg19) VCF-style: chr15-91310167-A-C.
Other names: c.2221A>C, p.Lys741Gln (NM_001287246.2, NM_001287247.2); c.1096A>C, p.Lys366Gln (NM_001287248.2); short protein forms K366Q, K741Q.
Identifiers: ClinVar variation 1787931 (VCV001787931.2), dbSNP rs1896146578, ClinGen allele CA393844817.

ClinVar aggregate classification (germline): Uncertain significance (1 of 4 stars; one submission).

Conditions:
Hereditary cancer-predisposing syndrome. Also called: Neoplastic Syndromes, Hereditary; Tumor predisposition; Hereditary Cancer Syndrome; Hereditary neoplastic syndrome. Identifiers: Orphanet 140162, MedGen C0027672, MeSH D009386, MONDO:0015356.

Submission:

Ambry Genetics
Classification: Uncertain significance for Hereditary cancer-predisposing syndrome. Last evaluated: 2022-10-27. Review status: criteria provided, single submitter. Criteria: Ambry Variant Classification Scheme 2023. Collection method: clinical testing. Allele origin: germline.
Comment: The p.K741Q variant (also known as c.2221A>C), located in coding exon 9 of the BLM gene, results from an A to C substitution at nucleotide position 2221. The lysine at codon 741 is replaced by glutamine, an amino acid with similar properties. This amino acid position is conserved. In addition, this alteration is predicted to be tolerated by in silico analysis. Since supporting evidence is limited at this time, the clinical significance of this alteration remains unclear.